The following is an entry in ClinVar:

NM_014975.3(MAST1):c.2003C>A (p.Ser668Ter)

Gene: MAST1 (microtubule associated serine/threonine kinase 1; plus strand). Cytogenetic location: 19p13.13.
Variant type: single nucleotide variant.
Coding change: c.2003C>A on transcript NM_014975.3 (MANE Select); coding-DNA position 2003, C replaced by A.
Protein change: p.Ser668Ter; replaces serine 668 with a stop codon.
Molecular consequence: nonsense.
Genome position (GRCh38, 1-based): chr19:12,866,076, C>A. VCF-style: chr19-12866076-C-A. GRCh37 (hg19) VCF-style: chr19-12976890-C-A.
Other names: short protein forms S668*.
Identifiers: ClinVar variation 1683993 (VCV001683993.2), dbSNP rs2145907922, ClinGen allele CA404274867.

ClinVar aggregate classification (germline): Uncertain significance (1 of 4 stars; one submission).

Submission:

GeneDx
Classification: Uncertain significance. Last evaluated: 2021-11-08. Review status: criteria provided, single submitter. Criteria: GeneDx Variant Classification Process June 2021. Collection method: clinical testing. Allele origin: germline. Affected: yes.
Comment: Not observed at significant frequency in large population cohorts (gnomAD); Nonsense variant predicted to result in protein truncation or nonsense mediated decay in a gene for which loss-of-function is not a known mechanism of disease; Has not been previously published as pathogenic or benign to our knowledge